The following is an entry in ClinVar:

NM_177438.3(DICER1):c.1418A>T (p.Tyr473Phe)

Gene: DICER1 (dicer 1, ribonuclease III; minus strand). Cytogenetic location: 14q32.13.
Variant type: single nucleotide variant.
Coding change: c.1418A>T on transcript NM_177438.3 (MANE Select); coding-DNA position 1418, A replaced by T.
Protein change: p.Tyr473Phe; replaces tyrosine 473 with phenylalanine.
Molecular consequence: missense variant. On other transcripts: 5 prime UTR variant (1), non-coding transcript variant (6).
Genome position (GRCh38, 1-based): chr14:95,117,713, T>A on the plus strand (A>T on the coding strand, the complement: DICER1 is on the minus strand). VCF-style: chr14-95117713-T-A. GRCh37 (hg19) VCF-style: chr14-95584050-T-A.
Other names: c.1418A>T, p.Tyr473Phe (NM_001195573.1, NM_001271282.3, NM_001291628.2 and 13 more transcripts); c.1136A>T, p.Tyr379Phe (NM_001395686.1); c.1013A>T, p.Tyr338Phe (NM_001395687.1, NM_001395688.1, NM_001395689.1 and 3 more transcripts); c.851A>T, p.Tyr284Phe (NM_001395691.1); c.-151A>T (NM_001395697.1); short protein forms Y473F, Y284F, Y338F, Y379F.
Identifiers: ClinVar variation 1772172 (VCV001772172.2), dbSNP rs1314692347, ClinGen allele CA390885614.

ClinVar aggregate classification (germline): Uncertain significance (1 of 4 stars; one submission).

Conditions:
Hereditary cancer-predisposing syndrome. Also called: Hereditary Cancer Syndrome; Hereditary neoplastic syndrome; Neoplastic Syndromes, Hereditary; Tumor predisposition. Identifiers: Orphanet 140162, MedGen C0027672, MeSH D009386, MONDO:0015356.

Submission:

Ambry Genetics
Classification: Uncertain significance for Hereditary cancer-predisposing syndrome. Last evaluated: 2021-12-21. Review status: criteria provided, single submitter. Criteria: Ambry Variant Classification Scheme 2023. Collection method: clinical testing. Allele origin: germline.
Comment: The p.Y473F variant (also known as c.1418A>T), located in coding exon 8 of the DICER1 gene, results from an A to T substitution at nucleotide position 1418. The tyrosine at codon 473 is replaced by phenylalanine, an amino acid with highly similar properties. This amino acid position is highly conserved in available vertebrate species. In addition, this alteration is predicted to be tolerated by in silico analysis. Since supporting evidence is limited at this time, the clinical significance of this alteration remains unclear.